The following is an entry in ClinVar:

NM_002354.3(EPCAM):c.207G>A (p.Met69Ile)

Gene: EPCAM (epithelial cell adhesion molecule; plus strand). Cytogenetic location: 2p21.
Variant type: single nucleotide variant.
Coding change: c.207G>A on transcript NM_002354.3 (MANE Select); coding-DNA position 207, G replaced by A.
Protein change: p.Met69Ile; replaces methionine 69 with isoleucine.
Molecular consequence: missense variant.
Genome position (GRCh38, 1-based): chr2:47,373,830, G>A. VCF-style: chr2-47373830-G-A. GRCh37 (hg19) VCF-style: chr2-47600969-G-A.
Other names: short protein forms M69I.
Identifiers: ClinVar variation 3222090 (VCV003222090.1), dbSNP rs2103747018, ClinGen allele CA346722790.

ClinVar aggregate classification (germline): Uncertain significance (1 of 4 stars; one submission).

Conditions:
Hereditary cancer-predisposing syndrome. Also called: Tumor predisposition; Hereditary neoplastic syndrome; Hereditary Cancer Syndrome; Neoplastic Syndromes, Hereditary. Identifiers: Orphanet 140162, MedGen C0027672, MeSH D009386, MONDO:0015356.

Submission:

Ambry Genetics
Classification: Uncertain significance for Hereditary cancer-predisposing syndrome. Last evaluated: 2023-12-22. Review status: criteria provided, single submitter. Criteria: Ambry Variant Classification Scheme 2023. Collection method: clinical testing. Allele origin: germline.
Comment: The p.M69I variant (also known as c.207G>A), located in coding exon 3 of the EPCAM gene, results from a G to A substitution at nucleotide position 207. The methionine at codon 69 is replaced by isoleucine, an amino acid with highly similar properties. This amino acid position is conserved. In addition, the in silico prediction for this alteration is inconclusive. Since supporting evidence is limited at this time, the clinical significance of this alteration remains unclear.